The following is an entry in ClinVar:

NM_032043.3(BRIP1):c.779C>T (p.Thr260Ile)

Gene: BRIP1 (BRCA1 interacting DNA helicase 1; minus strand). Cytogenetic location: 17q23.2.
Variant type: single nucleotide variant.
Coding change: c.779C>T on transcript NM_032043.3 (MANE Select); coding-DNA position 779, C replaced by T.
Protein change: p.Thr260Ile; replaces threonine 260 with isoleucine.
Molecular consequence: missense variant.
Genome position (GRCh38, 1-based): chr17:61,808,606, G>A on the plus strand (C>T on the coding strand, the complement: BRIP1 is on the minus strand). VCF-style: chr17-61808606-G-A. GRCh37 (hg19) VCF-style: chr17-59885967-G-A.
Other names: short protein forms T260I.
Identifiers: ClinVar variation 1760668 (VCV001760668.2), dbSNP rs2145417051, ClinGen allele CA400484923.

ClinVar aggregate classification (germline): Uncertain significance (1 of 4 stars; one submission).

Conditions:
Hereditary cancer-predisposing syndrome. Also called: Neoplastic Syndromes, Hereditary; Tumor predisposition; Hereditary Cancer Syndrome; Hereditary neoplastic syndrome. Identifiers: Orphanet 140162, MedGen C0027672, MeSH D009386, MONDO:0015356.

Submission:

Ambry Genetics
Classification: Uncertain significance for Hereditary cancer-predisposing syndrome. Last evaluated: 2022-06-08. Review status: criteria provided, single submitter. Criteria: Ambry Variant Classification Scheme 2023. Collection method: clinical testing. Allele origin: germline.
Comment: The p.T260I variant (also known as c.779C>T), located in coding exon 6 of the BRIP1 gene, results from a C to T substitution at nucleotide position 779. The threonine at codon 260 is replaced by isoleucine, an amino acid with similar properties. This amino acid position is conserved. In addition, this alteration is predicted to be tolerated by in silico analysis. Since supporting evidence is limited at this time, the clinical significance of this alteration remains unclear.